The following is an entry in ClinVar:

ClinVar aggregate classification (germline): Likely benign. Review status: criteria provided, multiple submitters, no conflicts (2 of 4 stars). 3 submissions from 3 submitters: Likely benign (2). 1 of the submissions does not count toward it. Last evaluated 2022-09-28.

Conditions:
SLC17A8-related disorder. Also called: SLC17A8-related condition.

Allele frequency attached by ClinVar (database versions not stated): ExAC 0.00001; gnomAD exomes 0.00001; gnomAD 0.00002; TOPMed 0.00002.
gnomAD v4.1: 20 of 1,613,822 alleles (0.0012%); highest among the groups gnomAD compares: Non-Finnish European, 0.0016%; no homozygotes.

Submissions (3):

Labcorp Genetics (formerly Invitae), Labcorp
Classification: Likely benign. Last evaluated: 2022-09-28. Review status: criteria provided, single submitter. Criteria: Invitae Variant Classification Sherloc (09022015). Collection method: clinical testing. Allele origin: germline.

Blueprint Genetics
Classification: Likely benign. Last evaluated: 2017-08-02. Review status: criteria provided, single submitter. Criteria: ACMG Guidelines, 2015. Collection method: clinical testing. Allele origin: germline.

PreventionGenetics, part of Exact Sciences
Classification: Likely benign for SLC17A8-related condition. Last evaluated: 2023-10-06. Review status: no assertion criteria provided. Collection method: clinical testing. Allele origin: germline. Not counted in ClinVar's aggregate classification.
Comment: This variant is classified as likely benign based on ACMG/AMP sequence variant interpretation guidelines (Richards et al. 2015 PMID: 25741868, with internal and published modifications).

NM_139319.3(SLC17A8):c.765C>T (p.Gly255=)

Gene: SLC17A8 (solute carrier family 17 member 8; plus strand). Cytogenetic location: 12q23.1.
Variant type: single nucleotide variant.
Coding change: c.765C>T on transcript NM_139319.3 (MANE Select); coding-DNA position 765, C replaced by T.
Protein change: p.Gly255=; no amino-acid change (glycine 255 retained).
Molecular consequence: synonymous variant.
Genome position (GRCh38, 1-based): chr12:100,402,341, C>T. VCF-style: chr12-100402341-C-T. GRCh37 (hg19) VCF-style: chr12-100796119-C-T.
Other names: c.765C>T, p.Gly255= (NM_001145288.2); c.765C>T (NM_139319.2).
Identifiers: ClinVar variation 2028211 (VCV002028211.7), dbSNP rs765872785, ClinGen allele CA6738855.